The following is an entry in ClinVar:

NM_001031710.3(KLHL7):c.351_352del (p.Leu117fs)

Gene: KLHL7 (kelch like family member 7; plus strand). Cytogenetic location: 7p15.3.
Variant type: Deletion.
Coding change: c.351_352del on transcript NM_001031710.3 (MANE Select); coding-DNA positions 351 to 352, 2 bases deleted (GC; older notation c.351_352delGC).
Protein change: p.Leu117fs; shifts the reading frame from leucine 117.
Molecular consequence: frameshift variant. On other transcripts: non-coding transcript variant (2).
Genome position (GRCh38, 1-based): chr7:23,125,081-23,125,082, GC deleted. VCF-style (leftmost placement, unchanged base first): chr7-23125080-TGC-T. GRCh37 (hg19) VCF-style: chr7-23164699-TGC-T.
Other names: c.351_352del, p.Leu117fs (NM_001172428.2); c.207_208del, p.Leu69fs (NM_018846.5); short protein forms L117fs, L69fs.
Identifiers: ClinVar variation 2055078 (VCV002055078.1), dbSNP rs2534811532, ClinGen allele CA2580076948.

ClinVar aggregate classification (germline): Pathogenic (1 of 4 stars; one submission).

Submission:

Labcorp Genetics (formerly Invitae), Labcorp
Classification: Pathogenic. Last evaluated: 2022-06-30. Review status: criteria provided, single submitter. Criteria: Invitae Variant Classification Sherloc (09022015). Collection method: clinical testing. Allele origin: germline.
Comment: This sequence change creates a premature translational stop signal (p.Leu117Phefs*10) in the KLHL7 gene. It is expected to result in an absent or disrupted protein product. Loss-of-function variants in KLHL7 are known to be pathogenic (PMID: 27392078, 29074562, 30426380, 31953236). This variant is not present in population databases (gnomAD no frequency). This variant has not been reported in the literature in individuals affected with KLHL7-related conditions. For these reasons, this variant has been classified as Pathogenic.

Literature cited by the submitters: PubMed 27392078; PubMed 29074562; PubMed 30426380; PubMed 31953236.